The following is an entry in ClinVar:

NM_001845.6(COL4A1):c.3326-3T>C

Gene: COL4A1 (collagen type IV alpha 1 chain; minus strand). Cytogenetic location: 13q34.
Variant type: single nucleotide variant.
Coding change: c.3326-3T>C on transcript NM_001845.6 (MANE Select); 3 bases into the intron before coding-DNA position 3326, T replaced by C.
Molecular consequence: intron variant.
Genome position (GRCh38, 1-based): chr13:110,174,529, A>G on the plus strand (T>C on the coding strand, the complement: COL4A1 is on the minus strand). VCF-style: chr13-110174529-A-G. GRCh37 (hg19) VCF-style: chr13-110826876-A-G.
Identifiers: ClinVar variation 2852927 (VCV002852927.3), dbSNP rs1877788849, ClinGen allele CA960161781.
Genomic context (GRCh38, chr13:110,174,529, plus strand): 5'-ATGCCATCCAATCCTGGGAGGCCTTTGTCACCTTTTTCTCCAGGTAGCCCAGGACTTCCT[A>G]AAGAAAAAAACAAAACACCAGAACATCCATAAGTTTGGGCTTTTCTTTGATTTCTTAGAT-3'

ClinVar aggregate classification (germline): Uncertain significance (1 of 4 stars; one submission).

Allele frequency attached by ClinVar (database versions not stated): gnomAD 0.00001.
gnomAD v4.1: 1 of 1,613,988 alleles (0.000062%); highest among the groups gnomAD compares: African/African-American, 0.0013%; no homozygotes.

Submission:

Labcorp Genetics (formerly Invitae), Labcorp
Classification: Uncertain significance. Last evaluated: 2023-06-14. Review status: criteria provided, single submitter. Criteria: Invitae Variant Classification Sherloc (09022015). Collection method: clinical testing. Allele origin: germline.
Comment: This sequence change falls in intron 38 of the COL4A1 gene. It does not directly change the encoded amino acid sequence of the COL4A1 protein. It affects a nucleotide within the consensus splice site. This variant is not present in population databases (gnomAD no frequency). This variant has not been reported in the literature in individuals affected with COL4A1-related conditions. Variants that disrupt the consensus splice site are a relatively common cause of aberrant splicing (PMID: 17576681, 9536098). Algorithms developed to predict the effect of sequence changes on RNA splicing suggest that this variant is not likely to affect RNA splicing. In summary, the available evidence is currently insufficient to determine the role of this variant in disease. Therefore, it has been classified as a Variant of Uncertain Significance.

Literature cited by the submitters: PubMed 17576681; PubMed 9536098.